The following is an entry in ClinVar:

NM_015559.3(SETBP1):c.2744A>G (p.His915Arg)

Gene: SETBP1 (SET binding protein 1; plus strand). Cytogenetic location: 18q12.3.
Variant type: single nucleotide variant.
Coding change: c.2744A>G on transcript NM_015559.3 (MANE Select); coding-DNA position 2744, A replaced by G.
Protein change: p.His915Arg; replaces histidine 915 with arginine.
Molecular consequence: missense variant.
Genome position (GRCh38, 1-based): chr18:44,952,084, A>G. VCF-style: chr18-44952084-A-G. GRCh37 (hg19) VCF-style: chr18-42532049-A-G.
Other names: c.2744A>G, p.His915Arg (NM_001379141.1, NM_001379142.1, NM_001410862.1); short protein forms H915R.
Identifiers: ClinVar variation 4281809 (VCV004281809.3).
Genomic context (GRCh38, chr18:44,952,084, plus strand): 5'-ATTTCTGCTCCCTGGACAACCCGGAGGCCATTCCGTCCGACACCAGCACAAAGAACCGGC[A>G]TGGCCACCGGCAAAAGCATCTCATTGTGGACAACTTTCTGGCCCACGAAAGCCTCAAGAA-3'
Protein context (NP_056374.2, residues 905-925): IPSDTSTKNR[His915Arg]GHRQKHLIVD

ClinVar aggregate classification (germline): Uncertain significance. Review status: criteria provided, multiple submitters, no conflicts (2 of 4 stars). 2 submissions from 2 submitters: Uncertain significance (2). Last evaluated 2025-04-09.

Conditions:
Intellectual developmental disorder, autosomal dominant 29. Also called: Intellectual disability, autosomal dominant 29; SETBP1 Haploinsufficiency Disorder. Identifiers: Orphanet 436151, MedGen C4015141, MONDO:0014482, OMIM 616078.
Schinzel-Giedion syndrome (SGS). Identifiers: Orphanet 798, MedGen C0265227, MONDO:0010010, OMIM 269150.

Submissions (2):

GeneDx
Classification: Uncertain significance. Last evaluated: 2025-04-09. Review status: criteria provided, single submitter. Criteria: GeneDx Variant Classification Process June 2021. Collection method: clinical testing. Allele origin: germline. Affected: yes.
Comment: Not observed at significant frequency in large population cohorts (gnomAD); In silico analysis supports that this missense variant has a deleterious effect on protein structure/function; Has not been previously published as pathogenic or benign to our knowledge

Juno Genomics, Hangzhou Juno Genomics, Inc
Classification: Uncertain significance for Intellectual developmental disorder, autosomal dominant 29; Schinzel-Giedion syndrome. Review status: criteria provided, single submitter. Criteria: ACMG Guidelines, 2015. Collection method: clinical testing. Allele origin: germline.
Comment: Absent from controls (or at extremely low frequency if recessive) in Genome Aggregation Database.